The following is an entry in ClinVar:

NM_000049.4(ASPA):c.433A>C (p.Thr145Pro)

Genes: ASPA (aspartoacylase; plus strand), SPATA22 (spermatogenesis associated 22; minus strand). Cytogenetic location: 17p13.2.
Variant type: single nucleotide variant.
Coding change: c.433A>C on transcript NM_000049.4 (MANE Select); coding-DNA position 433, A replaced by C.
Protein change: p.Thr145Pro; replaces threonine 145 with proline.
Molecular consequence: missense variant. On other transcripts: intron variant (2).
Genome position (GRCh38, 1-based): chr17:3,483,499, A>C. VCF-style: chr17-3483499-A-C. GRCh37 (hg19) VCF-style: chr17-3386793-A-C.
Other names: c.433A>C, p.Thr145Pro (NM_001128085.1); c.-73-14101T>G (NM_001321336.2, NM_001321337.2); short protein forms T145P.
Identifiers: ClinVar variation 3895979 (VCV003895979.1).

ClinVar aggregate classification (germline): Uncertain significance (1 of 4 stars; one submission).

gnomAD v4.1: 3 of 1,613,680 alleles (0.00019%); highest among the groups gnomAD compares: Non-Finnish European, 0.00025%; no homozygotes.

Submission:

Women's Health and Genetics/Laboratory Corporation of America, LabCorp
Classification: Uncertain significance. Last evaluated: 2025-03-25. Review status: criteria provided, single submitter. Criteria: LabCorp Variant Classification Summary - May 2015. Collection method: clinical testing. Allele origin: germline.
Comment: Variant summary: ASPA c.433A>C (p.Thr145Pro) results in a non-conservative amino acid change in the encoded protein sequence. Three of five in-silico tools predict a damaging effect of the variant on protein function. Several computational tools predict a significant impact on normal splicing: Three predict the variant weakens a 3' acceptor site. One predicts the variant has no significant impact on splicing. However, these predictions have yet to be confirmed by functional studies. The frequency data for this variant in gnomAD is considered unreliable, as metrics indicate poor data quality at this position. c.433A>C has been reported in the literature in an individual affected with Canavan Disease (e.g., Zerem_2023). These data do not allow any conclusion about variant significance. To our knowledge, no experimental evidence demonstrating an impact on protein function has been reported. The following publication has been ascertained in the context of this evaluation (PMID: 37267771). No submitters have cited clinical-significance assessments for this variant to ClinVar. Based on the evidence outlined above, the variant was classified as uncertain significance.

Literature cited by the submitters: PubMed 37267771.